The following is an entry in ClinVar:

ClinVar aggregate classification (germline): Likely benign. Review status: criteria provided, multiple submitters, no conflicts (2 of 4 stars). 4 submissions from 4 submitters: Likely benign (4). Last evaluated 2025-09-08.

Conditions:
Hereditary cancer-predisposing syndrome. Also called: Tumor predisposition; Neoplastic Syndromes, Hereditary; Hereditary neoplastic syndrome; Hereditary Cancer Syndrome. Identifiers: Orphanet 140162, MedGen C0027672, MeSH D009386, MONDO:0015356.
Familial cancer of breast. Also called: Hereditary breast cancer; hereditary breast carcinoma; BREAST CANCER, FAMILIAL. Identifiers: Orphanet 227535, MedGen C0346153, MONDO:0016419, OMIM 114480. Disease mechanism: loss of function.
Ataxia-telangiectasia syndrome (AT). Also called: Ataxia-telangiectasia, complementation group D; AT, COMPLEMENTATION GROUP C; ATAXIA-TELANGIECTASIA, COMPLEMENTATION GROUP A; ATAXIA-TELANGIECTASIA, FRESNO VARIANT; Ataxia-telangiectasia; Ataxia telangiectasia (A-T). Identifiers: Orphanet 100, MedGen C0004135, MONDO:0008840, OMIM 208900.

Allele frequency attached by ClinVar (database versions not stated): gnomAD exomes below 0.00001.
gnomAD v4.1: 2 of 1,613,006 alleles (0.00012%); highest among the groups gnomAD compares: Non-Finnish European, 0.000085%; no homozygotes.

Submissions (4):

Labcorp Genetics (formerly Invitae), Labcorp
Classification: Likely benign for Ataxia-telangiectasia syndrome. Last evaluated: 2025-09-08. Review status: criteria provided, single submitter. Criteria: Invitae Variant Classification Sherloc (09022015). Collection method: clinical testing. Allele origin: germline.

Myriad Genetics, Inc.
Classification: Likely benign for Familial cancer of breast. Last evaluated: 2024-06-21. Review status: criteria provided, single submitter. Criteria: Myriad Autosomal Dominant, Autosomal Recessive and X-Linked Classification Criteria (2023). Collection method: clinical testing. Allele origin: unknown.
Comment: This variant is considered likely benign. This variant is intronic and is not expected to impact mRNA splicing.

Blueprint Genetics
Classification: Likely benign. Last evaluated: 2023-08-22. Review status: criteria provided, single submitter. Criteria: ACMG Guidelines, 2015. Collection method: clinical testing. Allele origin: germline.

Color Diagnostics, LLC DBA Color Health
Classification: Likely benign for Hereditary cancer-predisposing syndrome. Last evaluated: 2019-01-04. Review status: criteria provided, single submitter. Criteria: ACMG Guidelines, 2015. Collection method: clinical testing. Allele origin: germline.

NM_000051.4(ATM):c.8851-17A>G

Genes: ATM (ATM serine/threonine kinase; plus strand), C11orf65 (chromosome 11 open reading frame 65; minus strand). Cytogenetic location: 11q22.3.
Variant type: single nucleotide variant.
Coding change: c.8851-17A>G on transcript NM_000051.4 (MANE Select); 17 bases into the intron before coding-DNA position 8851, A replaced by G.
Molecular consequence: intron variant.
Genome position (GRCh38, 1-based): chr11:108,365,065, A>G. VCF-style: chr11-108365065-A-G. GRCh37 (hg19) VCF-style: chr11-108235792-A-G.
Other names: c.8851-17A>G (NM_001351834.2); c.640+20855T>C (NM_001330368.2); c.694+20855T>C (NM_001351110.2).
Identifiers: ClinVar variation 922056 (VCV000922056.9), dbSNP rs2091194046, ClinGen allele CA913188451.
Genomic context (GRCh38, chr11:108,365,065, plus strand): 5'-GATACTGGTTCTACTGTTTCTAAGTATGTGATTAAAATGTACATTGTTCTTTTAATACAT[A>G]TGTTCTCTCTGTTTAGGTCCTTCTATATGATCCACTCTTTGACTGGACCATGAATCCTTT-3'